The following is an entry in ClinVar:

NM_000018.4(ACADVL):c.1752-2A>G

Gene: ACADVL (acyl-CoA dehydrogenase very long chain; plus strand). Cytogenetic location: 17p13.1.
Variant type: single nucleotide variant.
Coding change: c.1752-2A>G on transcript NM_000018.4 (MANE Select); the canonical splice acceptor site of the intron before coding-DNA position 1752, A replaced by G.
Molecular consequence: splice acceptor variant.
Genome position (GRCh38, 1-based): chr17:7,224,807, A>G. VCF-style: chr17-7224807-A-G. GRCh37 (hg19) VCF-style: chr17-7128126-A-G.
Other names: c.1821-2A>G (NM_001270447.2); c.1524-2A>G (NM_001270448.2); c.1686-2A>G (NM_001033859.3).
Identifiers: ClinVar variation 2819734 (VCV002819734.3), dbSNP rs2508369819, ClinGen allele CA397725803.
Genomic context (GRCh38, chr17:7,224,807, plus strand): 5'-AGGGGGCCTGGGCCTGGATCCCAGCCGGCCCAGATTTATTTTCATCTCCTGCTTCCTGCC[A>G]GGGCCTCAAGATCCCTGAGTGAGGGCCACCCCACGGCCCAGCATGAGAAAATGCTCTGTG-3'

ClinVar aggregate classification (germline): Likely pathogenic (1 of 4 stars; one submission).

Conditions:
Very long chain acyl-CoA dehydrogenase deficiency (ACADVLD). Also called: VLCAD Deficiency; Very Long-Chain Acyl-Coenzyme A Dehydrogenase Deficiency. Identifiers: Orphanet 26793, MedGen C3887523, MONDO:0008723, OMIM 201475.

Submission:

Labcorp Genetics (formerly Invitae), Labcorp
Classification: Likely pathogenic for Very long chain acyl-CoA dehydrogenase deficiency. Last evaluated: 2022-12-09. Review status: criteria provided, single submitter. Criteria: Invitae Variant Classification Sherloc (09022015). Collection method: clinical testing. Allele origin: germline.
Comment: This variant has not been reported in the literature in individuals affected with ACADVL-related conditions. This variant is not present in population databases (gnomAD no frequency). This sequence change affects an acceptor splice site in intron 18 of the ACADVL gene. It is expected to disrupt RNA splicing. Variants that disrupt the donor or acceptor splice site typically lead to a loss of protein function (PMID: 16199547), and loss-of-function variants in ACADVL are known to be pathogenic (PMID: 9973285, 11590124). Algorithms developed to predict the effect of sequence changes on RNA splicing suggest that this variant may disrupt the consensus splice site. In summary, the currently available evidence indicates that the variant is pathogenic, but additional data are needed to prove that conclusively. Therefore, this variant has been classified as Likely Pathogenic.

Literature cited by the submitters: PubMed 16199547; PubMed 9973285; PubMed 11590124.